The following is an entry in ClinVar:

ClinVar aggregate classification (germline): Uncertain significance (1 of 4 stars; one submission).

gnomAD v4.1: 6 of 1,609,824 alleles (0.00037%); highest among the groups gnomAD compares: Non-Finnish European, 0.00042%; no homozygotes.

Submission:

Labcorp Genetics (formerly Invitae), Labcorp
Classification: Uncertain significance. Last evaluated: 2024-02-10. Review status: criteria provided, single submitter. Criteria: Invitae Variant Classification Sherloc (09022015). Collection method: clinical testing. Allele origin: germline.
Comment: This sequence change replaces arginine, which is basic and polar, with cysteine, which is neutral and slightly polar, at codon 1420 of the MYO7A protein (p.Arg1420Cys). The frequency data for this variant in the population databases is considered unreliable, as metrics indicate poor data quality at this position in the gnomAD database. This variant has not been reported in the literature in individuals affected with MYO7A-related conditions. Advanced modeling of protein sequence and biophysical properties (such as structural, functional, and spatial information, amino acid conservation, physicochemical variation, residue mobility, and thermodynamic stability) has been performed at Invitae for this missense variant, however the output from this modeling did not meet the statistical confidence thresholds required to predict the impact of this variant on MYO7A protein function. In summary, the available evidence is currently insufficient to determine the role of this variant in disease. Therefore, it has been classified as a Variant of Uncertain Significance.

NM_000260.4(MYO7A):c.4258C>T (p.Arg1420Cys)

Gene: MYO7A (myosin VIIA; plus strand). Cytogenetic location: 11q13.5.
Variant type: single nucleotide variant.
Coding change: c.4258C>T on transcript NM_000260.4 (MANE Select); coding-DNA position 4258, C replaced by T.
Protein change: p.Arg1420Cys; replaces arginine 1420 with cysteine.
Molecular consequence: missense variant.
Genome position (GRCh38, 1-based): chr11:77,194,459, C>T. VCF-style: chr11-77194459-C-T. GRCh37 (hg19) VCF-style: chr11-76905504-C-T.
Other names: c.4258C>T, p.Arg1420Cys (NM_001127180.2); c.4225C>T, p.Arg1409Cys (NM_001369365.1); short protein forms R1409C, R1420C.
Identifiers: ClinVar variation 3620265 (VCV003620265.2).